The following is an entry in ClinVar:

ClinVar aggregate classification (germline): Uncertain significance. Review status: criteria provided, multiple submitters, no conflicts (2 of 4 stars). 2 submissions from 2 submitters: Uncertain significance (2). Last evaluated 2024-03-20.

Conditions:
Hereditary cancer-predisposing syndrome. Also called: Neoplastic Syndromes, Hereditary; Tumor predisposition; Hereditary Cancer Syndrome; Hereditary neoplastic syndrome. Identifiers: Orphanet 140162, MedGen C0027672, MeSH D009386, MONDO:0015356.
Lynch syndrome 5 (LYNCH5). Also called: Colorectal cancer, hereditary nonpolyposis, type 5; Hereditary non-polyposis colorectal cancer, type 5. Identifiers: Orphanet 144, MedGen C1833477, MONDO:0013710, OMIM 614350. Disease mechanism: loss of function.

Submissions (2):

Molecular Pathology, Peter Maccallum Cancer Centre
Classification: Uncertain significance for Lynch syndrome 5. Last evaluated: 2024-03-20. Review status: criteria provided, single submitter. Criteria: ACMG Guidelines, 2015. Collection method: clinical testing. Allele origin: germline. Inheritance: Autosomal dominant inheritance.

Ambry Genetics
Classification: Uncertain significance for Hereditary cancer-predisposing syndrome. Last evaluated: 2023-11-05. Review status: criteria provided, single submitter. Criteria: Ambry Variant Classification Scheme 2023. Collection method: clinical testing. Allele origin: germline.
Comment: The p.D713H variant (also known as c.2137G>C), located in coding exon 4 of the MSH6 gene, results from a G to C substitution at nucleotide position 2137. The aspartic acid at codon 713 is replaced by histidine, an amino acid with similar properties. This amino acid position is highly conserved in available vertebrate species. In addition, this alteration is predicted to be deleterious by in silico analysis. Since supporting evidence is limited at this time, the clinical significance of this alteration remains unclear.

NM_000179.3(MSH6):c.2137G>C (p.Asp713His)

Gene: MSH6 (mutS homolog 6; plus strand). Cytogenetic location: 2p16.3.
Variant type: single nucleotide variant.
Coding change: c.2137G>C on transcript NM_000179.3 (MANE Select); coding-DNA position 2137, G replaced by C.
Protein change: p.Asp713His; replaces aspartic acid 713 with histidine.
Molecular consequence: missense variant.
Genome position (GRCh38, 1-based): chr2:47,800,120, G>C. VCF-style: chr2-47800120-G-C. GRCh37 (hg19) VCF-style: chr2-48027259-G-C.
Other names: c.1840G>C, p.Asp614His (NM_001406819.1, NM_001406820.1, NM_001406821.1 and 10 more transcripts); c.1231G>C, p.Asp411His (NM_001406823.1, NM_001406829.1, NM_001281493.2 and 6 more transcripts); c.1969G>C, p.Asp657His (NM_001406826.1); c.1747G>C, p.Asp583His (NM_001281492.2); c.2233G>C, p.Asp745His (NM_001406795.1, NM_001406802.1); c.2137G>C, p.Asp713His (NM_001406796.1, NM_001406798.1, NM_001406800.1 and 3 more transcripts); c.1612G>C, p.Asp538His (NM_001406799.1, NM_001406806.1, NM_001406807.1); c.2059G>C, p.Asp687His (NM_001406804.1); and 1 more; short protein forms D583H, D657H, D745H, D687H, D713H, D538H, D715H, D411H.
Identifiers: ClinVar variation 1786497 (VCV001786497.3), dbSNP rs876660123, ClinGen allele CA346751058.